The following is an entry in ClinVar:

NM_000540.3(RYR1):c.2398A>C (p.Lys800Gln)

Gene: RYR1 (ryanodine receptor 1; plus strand). Cytogenetic location: 19q13.2.
Variant type: single nucleotide variant.
Coding change: c.2398A>C on transcript NM_000540.3 (MANE Select); coding-DNA position 2398, A replaced by C.
Protein change: p.Lys800Gln; replaces lysine 800 with glutamine.
Molecular consequence: missense variant.
Genome position (GRCh38, 1-based): chr19:38,460,412, A>C. VCF-style: chr19-38460412-A-C. GRCh37 (hg19) VCF-style: chr19-38951052-A-C.
Other names: c.2398A>C, p.Lys800Gln (NM_001042723.2); short protein forms K800Q.
Identifiers: ClinVar variation 4883617 (VCV004883617.2).
Genomic context (GRCh38, chr19:38,460,412, plus strand): 5'-CCCCATTGTCCTTCCTTACCCAGGGTGCGGTTCCTCCTTGGTGGCCGCCATGGTGAATTC[A>C]AGTTCCTGCCCCCACCTGGCTATGCTCCATGCCATGAGGCTGTGCTCCCTCGAGAGCGAC-3'
Protein context (NP_000531.2, residues 790-810): FLLGGRHGEF[Lys800Gln]FLPPPGYAPC

ClinVar aggregate classification (germline): Uncertain significance (1 of 4 stars; one submission).

Submission:

Dasa
Classification: Uncertain significance. Last evaluated: 2025-04-28. Review status: criteria provided, single submitter. Criteria: DASA Assertion Criteria. Collection method: clinical testing. Allele origin: germline.
Comment: NM_000540.3(RYR1):c.2398A>C (p.Lys800Gln) is a missense variant that results in the substitution of lysine with glutamine. This variant is absent from population databases. Computational prediction algorithms are consistent with a deleterious effect. The currently available literature and clinical evidence are not sufficient to establish a definitive association between this variant and the reported condition. Therefore, this variant is classified as a variant of uncertain significance.